The following is an entry in ClinVar:

NM_004304.5(ALK):c.887A>T (p.Glu296Val)

Gene: ALK (ALK receptor tyrosine kinase; minus strand). Cytogenetic location: 2p23.2.
Variant type: single nucleotide variant.
Coding change: c.887A>T on transcript NM_004304.5 (MANE Select); coding-DNA position 887, A replaced by T.
Protein change: p.Glu296Val; replaces glutamic acid 296 with valine.
Molecular consequence: missense variant.
Genome position (GRCh38, 1-based): chr2:29,694,915, T>A on the plus strand (A>T on the coding strand, the complement: ALK is on the minus strand). VCF-style: chr2-29694915-T-A. GRCh37 (hg19) VCF-style: chr2-29917781-T-A.
Other names: short protein forms E296V.
Identifiers: ClinVar variation 1024943 (VCV001024943.8), dbSNP rs1678508228, ClinGen allele CA346586936.

ClinVar aggregate classification (germline): Uncertain significance (1 of 4 stars; one submission).

Conditions:
Neuroblastoma, susceptibility to, 3. Also called: ALK-Related Neuroblastic Tumor Susceptibility. Identifiers: Orphanet 635, MedGen C2751681, MONDO:0013083, OMIM 613014.

Allele frequency attached by ClinVar (database versions not stated): gnomAD exomes below 0.00001.
gnomAD v4.1: 1 of 1,614,080 alleles (0.000062%); highest among the groups gnomAD compares: East Asian, 0.0022%; no homozygotes.

Submission:

Labcorp Genetics (formerly Invitae), Labcorp
Classification: Uncertain significance for Neuroblastoma, susceptibility to, 3. Last evaluated: 2024-03-05. Review status: criteria provided, single submitter. Criteria: Invitae Variant Classification Sherloc (09022015). Collection method: clinical testing. Allele origin: germline.
Comment: This sequence change replaces glutamic acid, which is acidic and polar, with valine, which is neutral and non-polar, at codon 296 of the ALK protein (p.Glu296Val). This variant is not present in population databases (gnomAD no frequency). This variant has not been reported in the literature in individuals affected with ALK-related conditions. ClinVar contains an entry for this variant (Variation ID: 1024943). An algorithm developed to predict the effect of missense changes on protein structure and function (PolyPhen-2) suggests that this variant is likely to be disruptive. In summary, the available evidence is currently insufficient to determine the role of this variant in disease. Therefore, it has been classified as a Variant of Uncertain Significance.